The following is an entry in ClinVar:

ClinVar aggregate classification (germline): Likely benign (1 of 4 stars; one submission).

Conditions:
MASP1-related disorder. Also called: MASP1-related condition.

Submission:

PreventionGenetics, part of Exact Sciences
Classification: Likely benign for MASP1-related condition. Last evaluated: 2025-04-28. Review status: criteria provided, single submitter. Criteria: ACMG Guidelines, 2015. Collection method: clinical testing. Allele origin: germline.
Comment: This variant is classified as likely benign based on ACMG/AMP sequence variant interpretation guidelines (Richards et al. 2015 PMID: 25741868, with internal and published modifications).

NM_139125.4(MASP1):c.1090+2926G>A

Gene: MASP1 (MBL associated serine protease 1; minus strand). Cytogenetic location: 3q27.3.
Variant type: single nucleotide variant.
Coding change: c.1090+2926G>A on transcript NM_139125.4 (MANE Select); 2926 bases into the intron after coding-DNA position 1090, G replaced by A.
Molecular consequence: intron variant. On other transcripts: 3 prime UTR variant (1).
Genome position (GRCh38, 1-based): chr3:187,247,325, C>T on the plus strand (G>A on the coding strand, the complement: MASP1 is on the minus strand). VCF-style: chr3-187247325-C-T. GRCh37 (hg19) VCF-style: chr3-186965113-C-T.
Other names: c.*8G>A (NM_001031849.3); c.1090+2926G>A (NM_001879.6).
Identifiers: ClinVar variation 4985135 (VCV004985135.1).